The following is an entry in ClinVar:

ClinVar aggregate classification (germline): Pathogenic. Review status: criteria provided, multiple submitters, no conflicts (2 of 4 stars). 2 submissions from 2 submitters: Pathogenic (2). Last evaluated 2022-02-02.

Conditions:
Loeys-Dietz syndrome 4 (LDS4). Also called: ANEURYSM, AORTIC AND CEREBRAL, WITH ARTERIAL TORTUOSITY AND SKELETAL MANIFESTATIONS; TGFB2-Related Loeys-Dietz Syndrome. Identifiers: MedGen C3553762, MONDO:0013897, OMIM 614816.

Submissions (2):

Mayo Clinic Laboratories, Mayo Clinic
Classification: Pathogenic. Last evaluated: 2022-02-02. Review status: criteria provided, single submitter. Criteria: ACMG Guidelines, 2015. Collection method: clinical testing. Allele origin: germline. Observed: 1 variant allele.
Comment: PM2, PVS1

Labcorp Genetics (formerly Invitae), Labcorp
Classification: Pathogenic for Loeys-Dietz syndrome 4. Last evaluated: 2021-11-06. Review status: criteria provided, single submitter. Criteria: Invitae Variant Classification Sherloc (09022015). Collection method: clinical testing. Allele origin: germline.
Comment: For these reasons, this variant has been classified as Pathogenic. This variant has not been reported in the literature in individuals affected with TGFB2-related conditions. This variant is not present in population databases (gnomAD no frequency). This sequence change creates a premature translational stop signal (p.Glu66Argfs*2) in the TGFB2 gene. It is expected to result in an absent or disrupted protein product. Loss-of-function variants in TGFB2 are known to be pathogenic (PMID: 22772368, 22772371, 30739908).

Literature cited by the submitters: PubMed 22772368 (cited by Labcorp Genetics (formerly Invitae), Labcorp); PubMed 22772371 (cited by Labcorp Genetics (formerly Invitae), Labcorp); PubMed 30739908 (cited by Labcorp Genetics (formerly Invitae), Labcorp).

NM_003238.6(TGFB2):c.196del (p.Glu66fs)

Gene: TGFB2 (transforming growth factor beta 2; plus strand). Cytogenetic location: 1q41.
Variant type: Deletion.
Coding change: c.196del on transcript NM_003238.6 (MANE Select); coding-DNA position 196, one base deleted (G; older notation c.196delG).
Protein change: p.Glu66fs; shifts the reading frame from glutamic acid 66.
Molecular consequence: frameshift variant. On other transcripts: non-coding transcript variant (2).
Genome position (GRCh38, 1-based): chr1:218,346,897, G deleted; the last of 2 consecutive G bases (chr1:218,346,896-218,346,897); deleting either gives the same sequence. VCF-style (leftmost placement, unchanged base first): chr1-218346895-CG-C. GRCh37 (hg19) VCF-style: chr1-218520237-CG-C.
Other names: p.Glu66Argfs*2; c.196del, p.Glu66fs (NM_001135599.4); c.196del (NM_003238.3); short protein forms E66fs.
Identifiers: ClinVar variation 1452939 (VCV001452939.7), dbSNP rs1553292099, ClinGen allele CA324728.